The following is an entry in ClinVar:

NM_144599.5(NIPA1):c.217A>C (p.Thr73Pro)

Gene: NIPA1 (NIPA magnesium transporter 1; plus strand). Cytogenetic location: 15q11.2.
Variant type: single nucleotide variant.
Coding change: c.217A>C on transcript NM_144599.5 (MANE Select); coding-DNA position 217, A replaced by C.
Protein change: p.Thr73Pro; replaces threonine 73 with proline.
Molecular consequence: missense variant. On other transcripts: 5 prime UTR variant (1).
Genome position (GRCh38, 1-based): chr15:22,810,787, A>C. VCF-style: chr15-22810787-A-C. GRCh37 (hg19) VCF-style: chr15-23062281-T-G.
Other names: c.-9A>C (NM_001142275.1); short protein forms T73P.
Identifiers: ClinVar variation 2988724 (VCV002988724.3), dbSNP rs771487226, ClinGen allele CA391302937.

ClinVar aggregate classification (germline): Uncertain significance (1 of 4 stars; one submission).

Conditions:
Hereditary spastic paraplegia 6 (SPG6). Also called: SPASTIC PARAPLEGIA 6, AUTOSOMAL DOMINANT. Identifiers: Orphanet 100988, MedGen C1838192, MONDO:0010878, OMIM 600363.

gnomAD v4.1: 3 of 1,610,070 alleles (0.00019%); highest among the groups gnomAD compares: Non-Finnish European, 0.00026%; no homozygotes.

Submission:

Labcorp Genetics (formerly Invitae), Labcorp
Classification: Uncertain significance for Hereditary spastic paraplegia 6. Last evaluated: 2023-03-30. Review status: criteria provided, single submitter. Criteria: Invitae Variant Classification Sherloc (09022015). Collection method: clinical testing. Allele origin: germline.
Comment: In summary, the available evidence is currently insufficient to determine the role of this variant in disease. Therefore, it has been classified as a Variant of Uncertain Significance. An algorithm developed to predict the effect of missense changes on protein structure and function (PolyPhen-2) suggests that this variant is likely to be disruptive. This variant has not been reported in the literature in individuals affected with NIPA1-related conditions. This variant is not present in population databases (gnomAD no frequency). This sequence change replaces threonine, which is neutral and polar, with proline, which is neutral and non-polar, at codon 73 of the NIPA1 protein (p.Thr73Pro).